The following is an entry in ClinVar:

NM_000088.4(COL1A1):c.1289A>T (p.Lys430Met)

Gene: COL1A1 (collagen type I alpha 1 chain; minus strand). Cytogenetic location: 17q21.33.
Variant type: single nucleotide variant.
Coding change: c.1289A>T on transcript NM_000088.4 (MANE Select); coding-DNA position 1289, A replaced by T.
Protein change: p.Lys430Met; replaces lysine 430 with methionine.
Molecular consequence: missense variant.
Genome position (GRCh38, 1-based): chr17:50,195,242, T>A on the plus strand (A>T on the coding strand, the complement: COL1A1 is on the minus strand). VCF-style: chr17-50195242-T-A. GRCh37 (hg19) VCF-style: chr17-48272603-T-A.
Other names: short protein forms K430M.
Identifiers: ClinVar variation 3013213 (VCV003013213.3), dbSNP rs1907476262, ClinGen allele CA400218651.

ClinVar aggregate classification (germline): Uncertain significance (1 of 4 stars; one submission).

Conditions:
Osteogenesis imperfecta type I (OI1). Also called: Osteogenesis imperfecta type 1; Lobstein's Disease; OI, TYPE I; OSTEOGENESIS IMPERFECTA TARDA; OSTEOGENESIS IMPERFECTA WITH BLUE SCLERAE; Lobstein disease. Identifiers: Orphanet 216796, Orphanet 666, MedGen C0023931, MONDO:0008146, OMIM 166200. Disease mechanism: loss of function.

Allele frequency attached by ClinVar (database versions not stated): gnomAD exomes 0.00001.
gnomAD v4.1: 8 of 1,612,796 alleles (0.0005%); highest among the groups gnomAD compares: East Asian, 0.018%; no homozygotes.

Submission:

Labcorp Genetics (formerly Invitae), Labcorp
Classification: Uncertain significance for Osteogenesis imperfecta type I. Last evaluated: 2025-07-09. Review status: criteria provided, single submitter. Criteria: Invitae Variant Classification Sherloc (09022015). Collection method: clinical testing. Allele origin: germline.
Comment: This sequence change replaces lysine, which is basic and polar, with methionine, which is neutral and non-polar, at codon 430 of the COL1A1 protein (p.Lys430Met). This variant is not present in population databases (gnomAD no frequency). This variant has not been reported in the literature in individuals affected with COL1A1-related conditions. ClinVar contains an entry for this variant (Variation ID: 3013213). Invitae Evidence Modeling of protein sequence and biophysical properties (such as structural, functional, and spatial information, amino acid conservation, physicochemical variation, residue mobility, and thermodynamic stability) has been performed for this missense variant. However, the output from this modeling did not meet the statistical confidence thresholds required to predict the impact of this variant on COL1A1 protein function. In summary, the available evidence is currently insufficient to determine the role of this variant in disease. Therefore, it has been classified as a Variant of Uncertain Significance.